The following is an entry in ClinVar:

ClinVar aggregate classification (germline): Uncertain significance (1 of 4 stars; one submission).

Submission:

Ambry Genetics
Classification: Uncertain significance. Last evaluated: 2026-04-22. Review status: criteria provided, single submitter. Criteria: Ambry Variant Classification Scheme 2023. Collection method: clinical testing. Allele origin: germline.
Comment: The p.R1473G variant (also known as c.4417C>G), located in coding exon 14 of the CDK12 gene, results from a C to G substitution at nucleotide position 4417. The arginine at codon 1473 is replaced by glycine, an amino acid with dissimilar properties. This amino acid position is conserved. In addition, this alteration is predicted to be deleterious by in silico analysis. Based on the available evidence, the clinical significance of this variant remains unclear.

NM_016507.4(CDK12):c.4417C>G (p.Arg1473Gly)

Gene: CDK12 (cyclin dependent kinase 12; plus strand). Cytogenetic location: 17q12.
Variant type: single nucleotide variant.
Coding change: c.4417C>G on transcript NM_016507.4 (MANE Select); coding-DNA position 4417, C replaced by G.
Protein change: p.Arg1473Gly; replaces arginine 1473 with glycine.
Molecular consequence: missense variant.
Genome position (GRCh38, 1-based): chr17:39,531,260, C>G. VCF-style: chr17-39531260-C-G. GRCh37 (hg19) VCF-style: chr17-37687513-C-G.
Other names: c.4390C>G, p.Arg1464Gly (NM_015083.4); short protein forms R1464G, R1473G.
Identifiers: ClinVar variation 4868500 (VCV004868500.1).
Genomic context (GRCh38, chr17:39,531,260, plus strand): 5'-TCAGGAGCAGGCCTTCACTGGGGGGGCCCAACTCAGTCTTCTGCTTATGGAAAACTCTAT[C>G]GGGGGCCTACAAGAGTCCCACCAAGAGGGGGAAGAGGGAGAGGAGTTCCTTACTAACCCA-3'
Protein context (NP_057591.2, residues 1463-1483): TQSSAYGKLY[Arg1473Gly]GPTRVPPRGG